The following is an entry in ClinVar:

ClinVar aggregate classification (germline): Uncertain significance (1 of 4 stars; one submission).

Conditions:
DLC1-related disorder. Also called: DLC1-related condition.

Submission:

PreventionGenetics, part of Exact Sciences
Classification: Uncertain significance for DLC1-related condition. Last evaluated: 2023-01-30. Review status: criteria provided, single submitter. Criteria: ACMG Guidelines, 2015. Collection method: clinical testing. Allele origin: germline.
Comment: The DLC1 c.344A>G variant is predicted to result in the amino acid substitution p.Asn115Ser. To our knowledge, this variant has not been reported in the literature or in a large population database, indicating this variant is rare. At this time, the clinical significance of this variant is uncertain due to the absence of conclusive functional and genetic evidence.

NM_182643.3(DLC1):c.344A>G (p.Asn115Ser)

Gene: DLC1 (DLC1 Rho GTPase activating protein; minus strand). Cytogenetic location: 8p22.
Variant type: single nucleotide variant.
Coding change: c.344A>G on transcript NM_182643.3 (MANE Select); coding-DNA position 344, A replaced by G.
Protein change: p.Asn115Ser; replaces asparagine 115 with serine.
Molecular consequence: missense variant. On other transcripts: 5 prime UTR variant (1).
Genome position (GRCh38, 1-based): chr8:13,499,728, T>C on the plus strand (A>G on the coding strand, the complement: DLC1 is on the minus strand). VCF-style: chr8-13499728-T-C. GRCh37 (hg19) VCF-style: chr8-13357237-T-C.
Other names: c.344A>G, p.Asn115Ser (NM_001348081.2, NM_001413124.1, NM_001413125.1 and 1 more transcripts); c.-1108A>G (NM_001348082.2); short protein forms N115S.
Identifiers: ClinVar variation 2629704 (VCV002629704.1), dbSNP rs2486210928, ClinGen allele CA370382094.